The following is an entry in ClinVar:

NM_004415.4(DSP):c.3616T>G (p.Leu1206Val)

Gene: DSP (desmoplakin; plus strand). Cytogenetic location: 6p24.3.
Variant type: single nucleotide variant.
Coding change: c.3616T>G on transcript NM_004415.4 (MANE Select); coding-DNA position 3616, T replaced by G.
Protein change: p.Leu1206Val; replaces leucine 1206 with valine.
Molecular consequence: missense variant. On other transcripts: intron variant (1).
Genome position (GRCh38, 1-based): chr6:7,579,806, T>G. VCF-style: chr6-7579806-T-G. GRCh37 (hg19) VCF-style: chr6-7580039-T-G.
Other names: c.3616T>G, p.Leu1206Val (NM_001319034.2); c.3582+34T>G (NM_001008844.3); short protein forms L1206V.
Identifiers: ClinVar variation 1041909 (VCV001041909.9), dbSNP rs151115778, ClinGen allele CA362684470.

ClinVar aggregate classification (germline): Uncertain significance (1 of 4 stars; one submission).

Conditions:
Arrhythmogenic right ventricular dysplasia 8 (ARVD8). Also called: ARRHYTHMOGENIC RIGHT VENTRICULAR DYSPLASIA, FAMILIAL, 8; ARRHYTHMOGENIC RIGHT VENTRICULAR CARDIOMYOPATHY 8; Arrhythmogenic Right Ventricular Dysplasia/Cardiomyopathy 8. Identifiers: MedGen C1843896, MONDO:0011831, OMIM 607450.
Arrhythmogenic cardiomyopathy with wooly hair and keratoderma. Also called: Dilated cardiomyopathy with woolly hair and keratoderma; Carvajal syndrome; PALMOPLANTAR KERATODERMA WITH LEFT VENTRICULAR CARDIOMYOPATHY AND WOOLLY HAIR; Arrhythmogenic cardiomyopathy with woolly hair and keratoderma. Identifiers: Orphanet 65282, MedGen C1854063, MONDO:0011581, OMIM 605676.

Submission:

Labcorp Genetics (formerly Invitae), Labcorp
Classification: Uncertain significance for Arrhythmogenic cardiomyopathy with wooly hair and keratoderma; Arrhythmogenic right ventricular dysplasia 8. Last evaluated: 2020-07-13. Review status: criteria provided, single submitter. Criteria: Invitae Variant Classification Sherloc (09022015). Collection method: clinical testing. Allele origin: germline.
Comment: Algorithms developed to predict the effect of sequence changes on RNA splicing suggest that this variant may create or strengthen a splice site, but this prediction has not been confirmed by published transcriptional studies. Algorithms developed to predict the effect of missense changes on protein structure and function (SIFT, PolyPhen-2, Align-GVGD) all suggest that this variant is likely to be tolerated, but these predictions have not been confirmed by published functional studies and their clinical significance is uncertain. This variant has not been reported in the literature in individuals with DSP-related conditions. In summary, the available evidence is currently insufficient to determine the role of this variant in disease. Therefore, it has been classified as a Variant of Uncertain Significance. This variant is not present in population databases (ExAC no frequency). This sequence change replaces leucine with valine at codon 1206 of the DSP protein (p.Leu1206Val). The leucine residue is highly conserved and there is a small physicochemical difference between leucine and valine.